The following is an entry in ClinVar:

NM_001130965.3(SUN1):c.962T>G (p.Leu321Trp)

Gene: SUN1 (Sad1 and UNC84 domain containing 1; plus strand). Cytogenetic location: 7p22.3.
Variant type: single nucleotide variant.
Coding change: c.962T>G on transcript NM_001130965.3 (MANE Select); coding-DNA position 962, T replaced by G.
Protein change: p.Leu321Trp; replaces leucine 321 with tryptophan.
Molecular consequence: missense variant. On other transcripts: non-coding transcript variant (3), intron variant (1).
Genome position (GRCh38, 1-based): chr7:852,861, T>G. VCF-style: chr7-852861-T-G. GRCh37 (hg19) VCF-style: chr7-892498-T-G.
Other names: c.1070T>G, p.Leu357Trp (NM_001367638.1); c.503T>G, p.Leu168Trp (NM_001367639.1); c.1142T>G, p.Leu381Trp (NM_001367640.1); c.1244T>G, p.Leu415Trp (NM_001367641.1, NM_001367682.1); c.947T>G, p.Leu316Trp (NM_001367642.1); c.1154T>G, p.Leu385Trp (NM_001367643.1); c.893T>G, p.Leu298Trp (NM_001367644.1); c.923T>G, p.Leu308Trp (NM_001367645.1, NM_001367667.1, NM_001367689.1); and 38 more; short protein forms L132W, L218W, L335W, L336W, L364W, L365W, L387W, L418W.
Identifiers: ClinVar variation 652278 (VCV000652278.10), dbSNP rs199719259, ClinGen allele CA4112025.

ClinVar aggregate classification (germline): Uncertain significance. Review status: criteria provided, multiple submitters, no conflicts (2 of 4 stars). 3 submissions from 3 submitters: Uncertain significance (3). Last evaluated 2025-05-01.

Conditions:
Emery-Dreifuss muscular dystrophy (EDMD). Also called: Scapuloperoneal syndrome, X-linked (formerly); Humeroperoneal neuromuscular disease, (formerly). Identifiers: Orphanet 261, MedGen C0410189, MONDO:0016830.

Allele frequency attached by ClinVar (database versions not stated): gnomAD 0.00008 and 0.00009; gnomAD exomes 0.00011 and 0.00016; ExAC 0.00013; TOPMed 0.00013; ESP Exome Variant Server 0.00016.
gnomAD v4.1: 253 of 1,614,036 alleles (0.016%); highest among the groups gnomAD compares: Middle Eastern, 0.13%; no homozygotes.

Submissions (3):

Labcorp Genetics (formerly Invitae), Labcorp
Classification: Uncertain significance for Emery-Dreifuss muscular dystrophy. Last evaluated: 2025-05-01. Review status: criteria provided, single submitter. Criteria: Invitae Variant Classification Sherloc (09022015). Collection method: clinical testing. Allele origin: germline.
Comment: This sequence change replaces leucine, which is neutral and non-polar, with tryptophan, which is neutral and slightly polar, at codon 321 of the SUN1 protein (p.Leu321Trp). This variant is present in population databases (rs199719259, gnomAD 0.03%). This variant has not been reported in the literature in individuals affected with SUN1-related conditions. ClinVar contains an entry for this variant (Variation ID: 652278). An algorithm developed to predict the effect of missense changes on protein structure and function outputs the following: PolyPhen-2: "Benign". The tryptophan amino acid residue is found in multiple mammalian species, which suggests that this missense change does not adversely affect protein function. In summary, the available evidence is currently insufficient to determine the role of this variant in disease. Therefore, it has been classified as a Variant of Uncertain Significance.

Ambry Genetics
Classification: Uncertain significance. Last evaluated: 2023-11-03. Review status: criteria provided, single submitter. Criteria: Ambry Variant Classification Scheme 2023. Collection method: clinical testing. Allele origin: germline.

Breakthrough Genomics
Classification: Uncertain significance. Review status: criteria provided, single submitter. Criteria: ACMG Guidelines, 2015. Collection method: not provided. Allele origin: germline. Inheritance: Unknown mechanism. Affected: yes.